The following is an entry in ClinVar:

NM_000059.4(BRCA2):c.3708dup (p.Ala1237fs)

Gene: BRCA2 (BRCA2 DNA repair associated; plus strand). Cytogenetic location: 13q13.1.
Variant type: Duplication.
Coding change: c.3708dup on transcript NM_000059.4 (MANE Select); coding-DNA position 3708, one base duplicated (A; older notation c.3708dupA).
Protein change: p.Ala1237fs; shifts the reading frame from alanine 1237.
Molecular consequence: frameshift variant.
Genome position (GRCh38, 1-based): chr13:32,338,063, A duplicated; the last of 5 consecutive A bases (chr13:32,338,059-32,338,063); duplicating any one gives the same sequence. VCF-style (leftmost placement, unchanged base first): chr13-32338058-C-CA. GRCh37 (hg19) VCF-style: chr13-32912195-C-CA.
Other names: 3936INSA; c.3708dupA (NM_000059.3); short protein forms A1237fs.
Identifiers: ClinVar variation 91805 (VCV000091805.30), dbSNP rs34575057, ClinGen allele CA018613.

ClinVar aggregate classification (germline): Pathogenic. Review status: reviewed by expert panel (3 of 4 stars). 14 submissions from 14 submitters: Pathogenic (1). 13 of the submissions do not count toward it. Last evaluated 2016-09-08.

Conditions:
BRCA2-related disorder. Also called: BRCA2-related condition; BRCA2-related disorders. Identifiers: MedGen CN239275.
Hereditary cancer-predisposing syndrome. Also called: Hereditary Cancer Syndrome; Tumor predisposition; Neoplastic Syndromes, Hereditary; Hereditary neoplastic syndrome. Identifiers: Orphanet 140162, MedGen C0027672, MeSH D009386, MONDO:0015356.
Hereditary breast ovarian cancer syndrome. Also called: Hereditary breast and ovarian cancer syndrome; Hereditary breast and/or ovarian cancer syndrome; Hereditary breast and ovarian cancer; Hereditary breast and ovarian cancer syndrome (HBOC); Breast and ovarian cancer; BRCA1- and BRCA2-Associated Hereditary Breast and Ovarian Cancer. Identifiers: Orphanet 145, MedGen C0677776, MeSH D061325, MONDO:0003582. Disease mechanism: loss of function.
Breast-ovarian cancer, familial, susceptibility to, 2 (BROVCA2). Also called: BRCA2 Hereditary Breast and Ovarian Cancer. Identifiers: Orphanet 145, MedGen C2675520, MONDO:0012933, OMIM 612555. Disease mechanism: loss of function.
Familial cancer of breast. Also called: BREAST CANCER, FAMILIAL; Hereditary breast cancer; hereditary breast carcinoma. Identifiers: Orphanet 227535, MedGen C0346153, MONDO:0016419, OMIM 114480. Disease mechanism: loss of function.

Submissions (14):

Evidence-based Network for the Interpretation of Germline Mutant Alleles (ENIGMA)
Classification: Pathogenic for Breast-ovarian cancer, familial, susceptibility to, 2. Last evaluated: 2016-09-08. Review status: reviewed by expert panel. Criteria: ENIGMA BRCA1/2 Classification Criteria (2015). Collection method: curation. Allele origin: germline.
Comment: Variant allele predicted to encode a truncated non-functional protein.

PreventionGenetics, part of Exact Sciences
Classification: Pathogenic for BRCA2-related condition. Last evaluated: 2025-04-07. Review status: criteria provided, single submitter. Criteria: ACMG Guidelines, 2015. Collection method: clinical testing. Allele origin: germline. Not counted in ClinVar's aggregate classification.
Comment: The BRCA2 c.3708dupA variant is predicted to result in a frameshift and premature protein termination (p.Ala1237Serfs*6). This variant has been reported in individuals with breast and/or ovarian cancer (Meisel et al. 2017. PubMed ID: 28324225; Table S1, Carter et al. 2018. PubMed ID: 30322717; Table S1, Rebbeck et al. 2018. PubMed ID: 29446198). This variant is reported in 0.00089% of alleles in individuals of European (Non-Finnish) descent in gnomAD and is interpreted as pathogenic in ClinVar. Frameshift variants in BRCA2 are expected to be pathogenic. This variant is interpreted as pathogenic.

Ambry Genetics
Classification: Pathogenic for Hereditary cancer-predisposing syndrome. Last evaluated: 2025-03-21. Review status: criteria provided, single submitter. Criteria: Ambry Variant Classification Scheme 2023. Collection method: clinical testing. Allele origin: germline. Not counted in ClinVar's aggregate classification.
Comment: The c.3708dupA pathogenic mutation, located in coding exon 10 of the BRCA2 gene, results from a duplication of A at nucleotide position 3708, causing a translational frameshift with a predicted alternate stop codon (p.A1237Sfs*6). This alteration has been reported in German and Italian hereditary breast and ovarian cancer families (Rebbeck TR et al. Hum. Mutat., 2018 May;39:593-620). In addition to the clinical data presented in the literature, this alteration is expected to result in loss of function by premature protein truncation or nonsense-mediated mRNA decay. As such, this alteration is interpreted as a disease-causing mutation.

Institute of Human Genetics, University of Leipzig Medical Center
Classification: Pathogenic for Familial cancer of breast. Last evaluated: 2025-03-04. Review status: criteria provided, single submitter. Criteria: ACMG Guidelines, 2015. Collection method: clinical testing. Allele origin: unknown. Inheritance: Autosomal dominant inheritance. Affected: yes. Not counted in ClinVar's aggregate classification.
Comment: Criteria applied: PVS1,PM5_STR,PM2_SUP

Labcorp Genetics (formerly Invitae), Labcorp
Classification: Pathogenic for Hereditary breast ovarian cancer syndrome. Last evaluated: 2024-07-02. Review status: criteria provided, single submitter. Criteria: Invitae Variant Classification Sherloc (09022015). Collection method: clinical testing. Allele origin: germline. Not counted in ClinVar's aggregate classification.
Comment: This sequence change creates a premature translational stop signal (p.Ala1237Serfs*6) in the BRCA2 gene. It is expected to result in an absent or disrupted protein product. Loss-of-function variants in BRCA2 are known to be pathogenic (PMID: 20104584). This variant is present in population databases (rs398122769, gnomAD 0.0009%). This variant has not been reported in the literature in individuals affected with BRCA2-related conditions. ClinVar contains an entry for this variant (Variation ID: 91805). For these reasons, this variant has been classified as Pathogenic.

GeneDx
Classification: Pathogenic. Last evaluated: 2023-03-27. Review status: criteria provided, single submitter. Criteria: GeneDx Variant Classification Process June 2021. Collection method: clinical testing. Allele origin: germline. Affected: yes. Not counted in ClinVar's aggregate classification.
Comment: Frameshift variant predicted to result in protein truncation or nonsense mediated decay in a gene for which loss of function is a known mechanism of disease; Not observed at significant frequency in large population cohorts (gnomAD); Observed in individuals with BRCA2-related cancers (Meisel et al., 2017; Hu et al., 2018); Truncating variants in this gene are considered pathogenic by a well-established clinical consortium and/or database; Also known as 3936dupA; This variant is associated with the following publications: (PMID: 28324225, 29922827, 30720243, 31341520, 30322717, 29446198)

Baylor Genetics
Classification: Pathogenic for Familial cancer of breast. Last evaluated: 2023-03-11. Review status: criteria provided, single submitter. Criteria: ACMG Guidelines, 2015. Collection method: clinical testing. Allele origin: unknown. Not counted in ClinVar's aggregate classification.

New York Genome Center
Classification: Pathogenic for Breast-ovarian cancer, familial, susceptibility to, 2. Last evaluated: 2022-09-09. Review status: criteria provided, single submitter. Criteria: NYGC Assertion Criteria 2020. Collection method: clinical testing. Allele origin: inherited. Observed: 1 heterozygote. Study: PrenatalSEQ. Not counted in ClinVar's aggregate classification.
Comment: The heterozygous c.3708dup variant in BRCA2 has previously been reported in individuals affected with hereditary breast and/or ovarian cancer [PMID: 28324225, 29446198] and it has been deposited in ClinVar [ClinVar ID: 91805] as Pathogenic. The c.3708dup is observed in 1 allele (~ 0.0004% minor allele frequency with 0 homozygotes) in population databases (gnomAD v2.1.1 and v3.1.2, TOPMed Freeze 8, All of Us), suggesting it is not a common benign variant in the populations represented in those databases. The c.3708dup variant in BRCA2 is located in exon 11 BRC repeats domain [PMID: 22193408] of this 27-exon gene, predicted to incorporate a premature termination codon p.(Ala1237SerfsTer6), and is expected to result in loss-of-function via nonsense mediated mRNA decay. Multiple loss-of-function variants that are downstream to the c.3708dup variant have been reported in the literature [PMID: 28091860] and ClinVar [ClinVar ID: 52694 and 988019]. Based on available evidence, the c.3708dup p.(Ala1237SerfsTer6) variant identified in BRCA2 is classified here as Pathogenic.

MGZ Medical Genetics Center
Classification: Pathogenic for Familial cancer of breast. Last evaluated: 2022-06-08. Review status: criteria provided, single submitter. Criteria: ACMG Guidelines, 2015. Collection method: clinical testing. Allele origin: germline. Affected: yes. Observed: 1 variant allele. Not counted in ClinVar's aggregate classification.
Comment: ACMG criteria applied: PVS1, PS4_MOD, PM2_SUP

Women's Health and Genetics/Laboratory Corporation of America, LabCorp
Classification: Pathogenic for Hereditary breast ovarian cancer syndrome. Last evaluated: 2021-12-06. Review status: criteria provided, single submitter. Criteria: LabCorp Variant Classification Summary - May 2015. Collection method: clinical testing. Allele origin: germline. Not counted in ClinVar's aggregate classification.
Comment: Variant summary: BRCA2 c.3708dupA (p.Ala1237SerfsX6) results in a premature termination codon, predicted to cause a truncation of the encoded protein or absence of the protein due to nonsense mediated decay, which are commonly known mechanisms for disease. Truncations downstream of this position have been classified as pathogenic by our laboratory. The variant allele was found at a frequency of 4e-06 in 248378 control chromosomes (gnomAD). c.3708dupA has been reported in the literature in individuals affected with Hereditary Breast and/or Ovarian Cancer (example: Meisel_2017, Rebbeck_2018, Carter_2018). These data indicate that the variant is associated with disease. To our knowledge, no experimental evidence demonstrating an impact on protein function has been reported. Five clinical diagnostic laboratories have submitted clinical-significance assessments for this variant to ClinVar after 2014 and classified the variant as pathogenic. Based on the evidence outlined above, the variant was classified as pathogenic.

Institute for Clinical Genetics, University Hospital TU Dresden, University Hospital TU Dresden
Classification: Pathogenic. Last evaluated: 2021-11-03. Review status: criteria provided, single submitter. Criteria: ACMG Guidelines, 2015. Collection method: clinical testing. Allele origin: germline. Not counted in ClinVar's aggregate classification.

Consortium of Investigators of Modifiers of BRCA1/2 (CIMBA), c/o University of Cambridge
Classification: Pathogenic for Breast-ovarian cancer, familial, susceptibility to, 2. Last evaluated: 2015-10-02. Review status: criteria provided, single submitter. Criteria: CIMBA Mutation Classification guidelines May 2016. Collection method: clinical testing. Allele origin: germline. Not counted in ClinVar's aggregate classification.

Research Molecular Genetics Laboratory, Women's College Hospital, University of Toronto
Classification: Pathogenic for Hereditary breast ovarian cancer syndrome. Last evaluated: 2014-01-31. Review status: no assertion criteria provided. Collection method: research. Allele origin: germline. Affected: yes. Study: The Canadian Open Genetics Repository (COGR). Not counted in ClinVar's aggregate classification.

Sharing Clinical Reports Project (SCRP)
Classification: Pathogenic for Breast-ovarian cancer, familial 2. Last evaluated: 2011-11-10. Review status: no assertion criteria provided. Collection method: clinical testing. Allele origin: germline. Not counted in ClinVar's aggregate classification.

Literature cited by the submitters: PubMed 28324225 (cited by 3 submitters); PubMed 29446198 (cited by 3 submitters); PubMed 29922827 (cited by Ambry Genetics); PubMed 31341520 (cited by Ambry Genetics); PubMed 20104584 (cited by Labcorp Genetics (formerly Invitae), Labcorp); PubMed 30322717 (cited by Women's Health and Genetics/Laboratory Corporation of America, LabCorp); PubMed 30720243 (cited by Women's Health and Genetics/Laboratory Corporation of America, LabCorp).